The following is an entry in ClinVar:

NM_001005242.3(PKP2):c.223+3G>A

Gene: PKP2 (plakophilin 2; minus strand). Cytogenetic location: 12p11.21.
Variant type: single nucleotide variant.
Coding change: c.223+3G>A on transcript NM_001005242.3 (MANE Select); 3 bases into the intron after coding-DNA position 223, G replaced by A.
Molecular consequence: intron variant.
Genome position (GRCh38, 1-based): chr12:32,896,506, C>T on the plus strand (G>A on the coding strand, the complement: PKP2 is on the minus strand). VCF-style: chr12-32896506-C-T. GRCh37 (hg19) VCF-style: chr12-33049440-C-T.
Other names: c.223+3G>A (NM_001407156.1, NM_001407155.1, NM_004572.4 and 3 more transcripts); c.-368+3G>A (NM_001407160.1, NM_001407159.1); c.-604+3G>A (NM_001407158.1, NM_001407162.1).
Identifiers: ClinVar variation 3072266 (VCV003072266.2), dbSNP rs2541383935, ClinGen allele CA2825002082.
Genomic context (GRCh38, chr12:32,896,506, plus strand): 5'-ATAGGAGGAGGTGACCGGGTGTGGGGCAGGGGGCGGCGCCGGGGAGCGGCGGGCTCCACT[C>T]ACCGTTGCCCACGGAGCTGCGGCCCTTCCGGGCGAGGGTCTGCTGCACCTGCTCCTGGAT-3'

ClinVar aggregate classification (germline): Uncertain significance. Review status: criteria provided, multiple submitters, no conflicts (2 of 4 stars). 2 submissions from 2 submitters: Uncertain significance (2). Last evaluated 2024-02-26.

Conditions:
Arrhythmogenic right ventricular cardiomyopathy (ARVD). Also called: Arrhythmogenic right ventricular dysplasia; Cardiomyopathy, ARVC; Arrhythmogenic cardiomyopathy; Arrhythmogenic Right Ventricular Cardiomyopathy (ARVC). Identifiers: Orphanet 247, MedGen C0349788, MeSH D019571, MONDO:0016587. Disease mechanism: loss of function. Inheritance: Various modes of inheritance.
Cardiovascular phenotype. Identifiers: MedGen CN230736.

Submissions (2):

Ambry Genetics
Classification: Uncertain significance for Cardiovascular phenotype. Last evaluated: 2024-02-26. Review status: criteria provided, single submitter. Criteria: Ambry Variant Classification Scheme 2023. Collection method: clinical testing. Allele origin: germline.
Comment: The c.223+3G>A intronic variant results from a G to A substitution 3 nucleotides after coding exon 1 in the PKP2 gene. This nucleotide position is well conserved in available vertebrate species. In silico splice site analysis predicts that this alteration will not have any significant effect on splicing. Based on the available evidence, the clinical significance of this alteration remains unclear.

All of Us Research Program, National Institutes of Health
Classification: Uncertain significance for Arrhythmogenic right ventricular cardiomyopathy. Last evaluated: 2023-06-26. Review status: criteria provided, single submitter. Criteria: ACMG Guidelines, 2015. Collection method: clinical testing. Allele origin: germline. Inheritance: Autosomal dominant inheritance. Observed: 1 variant allele, 1 heterozygote.
Comment: This variant causes a G to A nucleotide substitution at the +3 position of intron 1 of the PKP2 gene. To our knowledge, functional studies have not been reported for this variant. This variant has not been reported in individuals affected with PKP2-related disorders in the literature. This variant has not been identified in the general population by the Genome Aggregation Database (gnomAD). The available evidence is insufficient to determine the role of this variant in disease conclusively. Therefore, this variant is classified as a Variant of Uncertain Significance.

This study involves interpretation of variants in research participants for the purpose of population health screening. Participant phenotype was not available at the time of variant classification. Additional details can be found in publication PMID: 35346344, PMCID: PMC8962531